The following is an entry in ClinVar:

ClinVar aggregate classification (germline): Pathogenic/Likely pathogenic. Review status: criteria provided, multiple submitters, no conflicts (2 of 4 stars). 3 submissions from 3 submitters: Pathogenic (2); Likely pathogenic (1). Last evaluated 2025-03-17.

Conditions:
Primary ciliary dyskinesia. Also called: Ciliary dyskinesia. Identifiers: Orphanet 244, MedGen C0008780, MONDO:0016575, HP:0012265.
Retinal dystrophy. Also called: Inherited retinal dystrophy. Identifiers: Orphanet 71862, MedGen C0854723, MeSH D058499, MONDO:0019118, HP:0000556.

Submissions (3):

Labcorp Genetics (formerly Invitae), Labcorp
Classification: Pathogenic for Primary ciliary dyskinesia. Last evaluated: 2025-03-17. Review status: criteria provided, single submitter. Criteria: Invitae Variant Classification Sherloc (09022015). Collection method: clinical testing. Allele origin: germline.
Comment: This sequence change creates a premature translational stop signal (p.Glu931Argfs*158) in the RPGR (ORF15) gene. While this is not anticipated to result in nonsense mediated decay, it is expected to disrupt the last 222 amino acid(s) of the RPGR (ORF15) protein. The frequency data for this variant in the population databases is considered unreliable, as metrics indicate insufficient coverage at this position in the gnomAD database. This premature translational stop signal has been observed in individual(s) with retinitis pigmentosa (PMID: 21857984, 31953110). This variant is also known as ORF15+1038delG (ORF15E346R*158). ClinVar contains an entry for this variant (Variation ID: 2138534). This variant disrupts a region of the RPGR (ORF15) protein in which other variant(s) (p.Leu1130Lysfs*13) have been determined to be pathogenic (PMID: 22264887; internal data). This suggests that this is a clinically significant region of the protein, and that variants that disrupt it are likely to be disease-causing. For these reasons, this variant has been classified as Pathogenic.

Ophthalmic Genetics Group, Institute of Molecular and Clinical Ophthalmology Basel
Classification: Likely pathogenic for Retinal dystrophy. Last evaluated: 2024-05-27. Review status: criteria provided, single submitter. Criteria: ACMG Guidelines, 2015. Collection method: research. Allele origin: germline. Affected: yes. Observed: 3 variant alleles.
Comment: This variant was classified as Likely pathogenic based on ACMG criteria: PVS1_strong, PM2_mod and PP5_sup

PreventionGenetics, part of Exact Sciences
Classification: Pathogenic. Last evaluated: 2023-01-04. Review status: criteria provided, single submitter. Criteria: ACMG Guidelines, 2015. Collection method: clinical testing. Allele origin: germline.

Literature cited by the submitters: PubMed 21857984 (cited by Labcorp Genetics (formerly Invitae), Labcorp and Ophthalmic Genetics Group, Institute of Molecular and Clinical Ophthalmology Basel); PubMed 31953110 (cited by Labcorp Genetics (formerly Invitae), Labcorp); PubMed 22264887 (cited by Labcorp Genetics (formerly Invitae), Labcorp and Ophthalmic Genetics Group, Institute of Molecular and Clinical Ophthalmology Basel); PubMed 40180963 (cited by Ophthalmic Genetics Group, Institute of Molecular and Clinical Ophthalmology Basel).

NM_001034853.2(RPGR):c.2791del (p.Glu931fs)

Gene: RPGR (retinitis pigmentosa GTPase regulator; minus strand). Cytogenetic location: Xp11.4.
Variant type: Deletion.
Coding change: c.2791del on transcript NM_001034853.2 (MANE Select); coding-DNA position 2791, one base deleted (G; older notation c.2791delG).
Protein change: p.Glu931fs; shifts the reading frame from glutamic acid 931.
Molecular consequence: frameshift variant. On other transcripts: intron variant (8).
Genome position (GRCh38, 1-based): chrX:38,286,208, C deleted on the plus strand (G on the coding strand, the reverse complement: RPGR is on the minus strand); the first of 4 consecutive C bases (chrX:38,286,208-38,286,211); deleting any one gives the same sequence. VCF-style (leftmost placement, unchanged base first): chrX-38286207-TC-T. GRCh37 (hg19) VCF-style: chrX-38145460-TC-T.
Other names: NC_000023.10:g.38145464del; NP_001030025.1:p.(Glu931ArgfsTer158); c.2791del (NM_001034853.1); c.1569+4751del (NM_001367249.1, NM_001367250.1); c.1902+886del (NM_001367245.1); c.1386+4751del (NM_001367251.1); c.1719+886del (NM_001367246.1); c.1572+4751del (NM_001367247.1); and 2 more; short protein forms E931fs.
Identifiers: ClinVar variation 2138534 (VCV002138534.8), dbSNP rs1601920423, ClinGen allele CA2579584404.